The following is an entry in ClinVar:

ClinVar aggregate classification (germline): Likely benign. Review status: criteria provided, multiple submitters, no conflicts (2 of 4 stars). 6 submissions from 5 submitters: Likely benign (5). 1 of the submissions does not count toward it. Last evaluated 2026-01-27.

Conditions:
USH2A-related disorder. Also called: USH2A-related disorders; USH2A-related condition. Identifiers: MedGen CN239332.
Retinitis pigmentosa 39 (RP39). Identifiers: Orphanet 791, MedGen C3151138, MONDO:0013436, OMIM 613809.
Usher syndrome type 2A. Also called: USHER SYNDROME, TYPE IIA; RETINAL DISEASE IN USHER SYNDROME TYPE IIA, MODIFIER OF. Identifiers: Orphanet 231178, Orphanet 886, MedGen C1848634, MONDO:0010169, OMIM 276901.

Allele frequency attached by ClinVar (database versions not stated): ExAC 0.00003; gnomAD exomes 0.00005.
gnomAD v4.1: 316 of 1,496,634 alleles (0.021%); highest among the groups gnomAD compares: Non-Finnish European, 0.028%; 1 homozygote.

Submissions (6):

Labcorp Genetics (formerly Invitae), Labcorp
Classification: Likely benign. Last evaluated: 2026-01-27. Review status: criteria provided, single submitter. Criteria: Invitae Variant Classification Sherloc (09022015). Collection method: clinical testing. Allele origin: germline.

Genome-Nilou Lab
Classification: Likely benign for Retinitis pigmentosa 39. Last evaluated: 2023-04-11. Review status: criteria provided, single submitter. Criteria: ACMG Guidelines, 2015. Collection method: clinical testing. Allele origin: germline. Affected: no.

Genome-Nilou Lab
Classification: Likely benign for Usher syndrome type 2A. Last evaluated: 2023-04-11. Review status: criteria provided, single submitter. Criteria: ACMG Guidelines, 2015. Collection method: clinical testing. Allele origin: germline. Affected: no.

Blueprint Genetics
Classification: Likely benign. Last evaluated: 2021-09-21. Review status: criteria provided, single submitter. Criteria: ACMG Guidelines, 2015. Collection method: clinical testing. Allele origin: germline.

ARUP Laboratories, Molecular Genetics and Genomics, ARUP Laboratories
Classification: Likely benign. Last evaluated: 2019-03-18. Review status: criteria provided, single submitter. Criteria: ARUP Molecular Germline Variant Investigation Process. Collection method: clinical testing. Allele origin: germline.

PreventionGenetics, part of Exact Sciences
Classification: Likely benign for USH2A-related condition. Last evaluated: 2019-09-11. Review status: no assertion criteria provided. Collection method: clinical testing. Allele origin: germline. Not counted in ClinVar's aggregate classification.
Comment: This variant is classified as likely benign based on ACMG/AMP sequence variant interpretation guidelines (Richards et al. 2015 PMID: 25741868, with internal and published modifications).

NM_206933.4(USH2A):c.11390-10C>T

Gene: USH2A (usherin; minus strand). Cytogenetic location: 1q41.
Variant type: single nucleotide variant.
Coding change: c.11390-10C>T on transcript NM_206933.4 (MANE Select); 10 bases into the intron before coding-DNA position 11390, C replaced by T.
Molecular consequence: intron variant.
Genome position (GRCh38, 1-based): chr1:215,743,345, G>A on the plus strand (C>T on the coding strand, the complement: USH2A is on the minus strand). VCF-style: chr1-215743345-G-A. GRCh37 (hg19) VCF-style: chr1-215916687-G-A.
Other names: c.11390-10C>T (NM_206933.2).
Identifiers: ClinVar variation 811930 (VCV000811930.20), dbSNP rs750110818, ClinGen allele CA1393720.
Genomic context (GRCh38, chr1:215,743,345, plus strand): 5'-CATCATTGAGTAAGACATTGTACTCCACAGGAATTTCGGGGATGAGGATCCCTTTAAAGA[G>A]AGAGAGAGAGAGAGAACATTAAAAACATATATATATATATATGTGTGTGTGTGTGTGTGT-3'